The following is an entry in ClinVar:

NM_153026.3(PRICKLE1):c.2205C>T (p.Ala735=)

Gene: PRICKLE1 (prickle planar cell polarity protein 1; minus strand). Cytogenetic location: 12q12.
Variant type: single nucleotide variant.
Coding change: c.2205C>T on transcript NM_153026.3 (MANE Select); coding-DNA position 2205, C replaced by T.
Protein change: p.Ala735=; no amino-acid change (alanine 735 retained).
Molecular consequence: synonymous variant.
Genome position (GRCh38, 1-based): chr12:42,460,100, G>A on the plus strand (C>T on the coding strand, the complement: PRICKLE1 is on the minus strand). VCF-style: chr12-42460100-G-A. GRCh37 (hg19) VCF-style: chr12-42853902-G-A.
Other names: c.2205C>T, p.Ala735= (NM_001144881.2, NM_001144882.2, NM_001144883.2).
Identifiers: ClinVar variation 388444 (VCV000388444.1), dbSNP rs1057523106, ClinGen allele CA16607272.

ClinVar aggregate classification (germline): Likely benign (1 of 4 stars; one submission).

Submission:

GeneDx
Classification: Likely benign. Last evaluated: 2016-08-15. Review status: criteria provided, single submitter. Criteria: GeneDx Variant Classification (06012015). Collection method: clinical testing. Allele origin: germline. Affected: yes.
Comment: This variant is considered likely benign or benign based on one or more of the following criteria: it is a conservative change, it occurs at a poorly conserved position in the protein, it is predicted to be benign by multiple in silico algorithms, and/or has population frequency not consistent with disease.